The following is an entry in ClinVar:

NM_000059.4(BRCA2):c.4594_4597del (p.Val1532fs)

Gene: BRCA2 (BRCA2 DNA repair associated; plus strand). Cytogenetic location: 13q13.1.
Variant type: Deletion.
Coding change: c.4594_4597del on transcript NM_000059.4 (MANE Select); coding-DNA positions 4594 to 4597, 4 bases deleted (GTTA; older notation c.4594_4597delGTTA).
Protein change: p.Val1532fs; shifts the reading frame from valine 1532.
Molecular consequence: frameshift variant.
Genome position (GRCh38, 1-based): chr13:32,338,949-32,338,952, GTTA deleted; deleting any 4 consecutive bases within chr13:32,338,948-32,338,952 gives the same sequence; the c. name uses the placement nearest the transcript's 3' end. VCF-style (leftmost placement, unchanged base first): chr13-32338947-AAGTT-A. GRCh37 (hg19) VCF-style: chr13-32913084-AAGTT-A.
Other names: c.4594_4597delGTTA (NM_000059.3); short protein forms V1532fs.
Identifiers: ClinVar variation 254538 (VCV000254538.5), dbSNP rs886038107, ClinGen allele CA10586526.

ClinVar aggregate classification (germline): Pathogenic. Review status: reviewed by expert panel (3 of 4 stars). 3 submissions from 3 submitters: Pathogenic (1). 2 of the submissions do not count toward it. Last evaluated 2016-09-08.

Conditions:
Hereditary cancer-predisposing syndrome. Also called: Tumor predisposition; Hereditary Cancer Syndrome; Neoplastic Syndromes, Hereditary; Hereditary neoplastic syndrome. Identifiers: Orphanet 140162, MedGen C0027672, MeSH D009386, MONDO:0015356.
Breast-ovarian cancer, familial, susceptibility to, 2 (BROVCA2). Also called: BRCA2 Hereditary Breast and Ovarian Cancer. Identifiers: Orphanet 145, MedGen C2675520, MONDO:0012933, OMIM 612555. Disease mechanism: loss of function.

Submissions (3):

Evidence-based Network for the Interpretation of Germline Mutant Alleles (ENIGMA)
Classification: Pathogenic for Breast-ovarian cancer, familial, susceptibility to, 2. Last evaluated: 2016-09-08. Review status: reviewed by expert panel. Criteria: ENIGMA BRCA1/2 Classification Criteria (2015). Collection method: curation. Allele origin: germline.
Comment: Variant allele predicted to encode a truncated non-functional protein.

Ambry Genetics
Classification: Pathogenic for Hereditary cancer-predisposing syndrome. Last evaluated: 2018-12-12. Review status: criteria provided, single submitter. Criteria: Ambry Variant Classification Scheme 2023. Collection method: clinical testing. Allele origin: germline. Not counted in ClinVar's aggregate classification.
Comment: The c.4594_4597delGTTA pathogenic mutation, located in coding exon 10 of the BRCA2 gene, results from a deletion of 4 nucleotides at nucleotide positions 4594 to 4597, causing a translational frameshift with a predicted alternate stop codon (p.V1532Kfs*10). This alteration is expected to result in loss of function by premature protein truncation or nonsense-mediated mRNA decay. As such, this alteration is interpreted as a disease-causing mutation.

GeneDx
Classification: Pathogenic. Last evaluated: 2016-04-19. Review status: criteria provided, single submitter. Criteria: GeneDx Variant Classification (06012015). Collection method: clinical testing. Allele origin: germline. Affected: yes. Not counted in ClinVar's aggregate classification.
Comment: This deletion of four nucleotides in BRCA2 is denoted c.4594_4597delGTTA at the cDNA level and p.Val1532LysfsX10 (V1532KfsX10) at the protein level. Using alternate nomenclature, this variant would be defined as BRCA2 c.4822_4825delGTTA. The normal sequence, with the bases that are deleted in braces, is GAAAAAA[GTTA]AAAT. The deletion causes a frameshift, which changes a Valine to a Lysine at codon 1532, and creates a premature stop codon at position 10 of the new reading frame. Although this variant has not, to our knowledge, been reported in the literature, it is predicted to cause loss of normal protein function through either protein truncation or nonsense-mediated mRNA decay. We consider this variant to be pathogenic.